The following is an entry in ClinVar:

NM_006904.7(PRKDC):c.8004C>T (p.Val2668=)

Gene: PRKDC (protein kinase, DNA-activated, catalytic subunit; minus strand). Cytogenetic location: 8q11.21.
Variant type: single nucleotide variant.
Coding change: c.8004C>T on transcript NM_006904.7 (MANE Select); coding-DNA position 8004, C replaced by T.
Protein change: p.Val2668=; no amino-acid change (valine 2668 retained).
Molecular consequence: synonymous variant.
Genome position (GRCh38, 1-based): chr8:47,834,344, G>A on the plus strand (C>T on the coding strand, the complement: PRKDC is on the minus strand). VCF-style: chr8-47834344-G-A. GRCh37 (hg19) VCF-style: chr8-48746905-G-A.
Other names: c.8004C>T, p.Val2668= (NM_001081640.2).
Identifiers: ClinVar variation 475238 (VCV000475238.33), dbSNP rs140123272, ClinGen allele CA4739959.

ClinVar aggregate classification (germline): Likely benign. Review status: criteria provided, multiple submitters, no conflicts (2 of 4 stars). 3 submissions from 3 submitters: Likely benign (3). Last evaluated 2026-01-20.

Conditions:
Severe combined immunodeficiency due to DNA-PKcs deficiency. Also called: IMMUNODEFICIENCY 26 WITH NEUROLOGIC ABNORMALITIES; Immunodeficiency 26 with or without neurologic abnormalities. Identifiers: Orphanet 317425, MedGen C4014833, MONDO:0014423, OMIM 615966.

Allele frequency attached by ClinVar (database versions not stated): ESP Exome Variant Server 0.00031; TOPMed 0.00037; 1000 Genomes Project 0.00040; 1000 Genomes Project 30x 0.00047.
gnomAD v4.1: 667 of 1,613,920 alleles (0.041%); highest among the groups gnomAD compares: Non-Finnish European, 0.054%; no homozygotes.

Submissions (3):

Labcorp Genetics (formerly Invitae), Labcorp
Classification: Likely benign for Severe combined immunodeficiency due to DNA-PKcs deficiency. Last evaluated: 2026-01-20. Review status: criteria provided, single submitter. Criteria: Invitae Variant Classification Sherloc (09022015). Collection method: clinical testing. Allele origin: germline.

Blueprint Genetics
Classification: Likely benign. Last evaluated: 2024-11-25. Review status: criteria provided, single submitter. Criteria: ACMG Guidelines, 2015. Collection method: clinical testing. Allele origin: germline.

CeGaT Center for Human Genetics Tuebingen
Classification: Likely benign. Last evaluated: 2023-09-01. Review status: criteria provided, single submitter. Criteria: CeGaT Center For Human Genetics Tuebingen Variant Classification Criteria Version 2. Collection method: clinical testing. Allele origin: germline. Affected: yes. Observed: 1 variant allele.
Comment: PRKDC: BP4, BP7